The following is an entry in ClinVar:

NM_001127222.2(CACNA1A):c.5896C>T (p.Arg1966Trp)

Gene: CACNA1A (calcium voltage-gated channel subunit alpha1 A; minus strand). Cytogenetic location: 19p13.13.
Variant type: single nucleotide variant.
Coding change: c.5896C>T on transcript NM_001127222.2 (MANE Select); coding-DNA position 5896, C replaced by T.
Protein change: p.Arg1966Trp; replaces arginine 1966 with tryptophan.
Molecular consequence: missense variant.
Genome position (GRCh38, 1-based): chr19:13,214,277, G>A on the plus strand (C>T on the coding strand, the complement: CACNA1A is on the minus strand). VCF-style: chr19-13214277-G-A. GRCh37 (hg19) VCF-style: chr19-13325091-G-A.
Other names: c.5914C>T, p.Arg1972Trp (NM_000068.4, NM_023035.3); c.5899C>T, p.Arg1967Trp (NM_001127221.2); c.5905C>T, p.Arg1969Trp (NM_001174080.2); c.5899C>T (NM_001127221.1); short protein forms R1967W, R1969W, R1972W, R1966W.
Identifiers: ClinVar variation 1496703 (VCV001496703.9), dbSNP rs1269205597, ClinGen allele CA404334088.
Genomic context (GRCh38, chr19:13,214,277, plus strand): 5'-GCGGCGAACAGCGCACCTGCTCCTCGCGCATGGCCTGCAGCTTCTTGGCCTTGCTCTGCC[G>A]GTAGTACTCCATGATCATCATGGCTGCGTAGATCTTCCCCACGGTGAGGTCCGTGGCTGG-3'
Protein context (NP_001120694.1, residues 1956-1976): YAAMMIMEYY[Arg1966Trp]QSKAKKLQAM

ClinVar aggregate classification (germline): Conflicting classifications of pathogenicity. Review status: criteria provided, conflicting classifications (1 of 4 stars). 2 submissions from 2 submitters: Uncertain significance (1); Likely benign (1). Last evaluated 2025-06-08.

Conditions:
Episodic ataxia type 2 (EA2). Also called: ATAXIA, EPISODIC, WITH NYSTAGMUS; ATAXIA, FAMILIAL PAROXYSMAL; CEREBELLAR ATAXIA, PAROXYSMAL, ACETAZOLAMIDE-RESPONSIVE; CEREBELLOPATHY, HEREDITARY PAROXYSMAL; ACETAZOLAMIDE-RESPONSIVE HEREDITARY PAROXYSMAL CEREBELLAR ATAXIA; EPISODIC ATAXIA, NYSTAGMUS-ASSOCIATED. Identifiers: Orphanet 97, MedGen C1720416, MONDO:0007163, OMIM 108500.
Developmental and epileptic encephalopathy, 42 (DEE42A). Also called: DEVELOPMENTAL AND EPILEPTIC ENCEPHALOPATHY 42A; EPILEPTIC ENCEPHALOPATHY, EARLY INFANTILE, 42A; Epileptic encephalopathy, early infantile, 42. Identifiers: MedGen C4310716, MONDO:0014917, OMIM 617106.

Allele frequency attached by ClinVar (database versions not stated): gnomAD exomes below 0.00001.
gnomAD v4.1: 5 of 1,612,076 alleles (0.00031%); highest among the groups gnomAD compares: African/African-American, 0.0027%; no homozygotes.

Submissions (2):

Labcorp Genetics (formerly Invitae), Labcorp
Classification: Likely benign for Developmental and epileptic encephalopathy, 42; Episodic ataxia type 2. Last evaluated: 2025-06-08. Review status: criteria provided, single submitter. Criteria: Invitae Variant Classification Sherloc (09022015). Collection method: clinical testing. Allele origin: germline.

GeneDx
Classification: Uncertain significance. Last evaluated: 2023-06-12. Review status: criteria provided, single submitter. Criteria: GeneDx Variant Classification Process June 2021. Collection method: clinical testing. Allele origin: germline. Affected: yes.
Comment: Not observed at significant frequency in large population cohorts (gnomAD); In silico analysis supports that this missense variant has a deleterious effect on protein structure/function; Has not been previously published as pathogenic or benign to our knowledge